The following is an entry in ClinVar:

ClinVar aggregate classification (germline): Uncertain significance (1 of 4 stars; one submission).

Conditions:
Hyper-IgM syndrome type 5 (HIGM5). Also called: Hyper-IgM Immunodeficiency Syndrome, Type 5. Identifiers: Orphanet 101092, MedGen C1720958, MONDO:0011971, OMIM 608106.

Allele frequency attached by ClinVar (database versions not stated): gnomAD exomes below 0.00001.
gnomAD v4.1: 1 of 1,612,904 alleles (0.000062%); highest among the groups gnomAD compares: East Asian, 0.0022%; no homozygotes.

Submission:

Labcorp Genetics (formerly Invitae), Labcorp
Classification: Uncertain significance for Hyper-IgM syndrome type 5. Last evaluated: 2022-01-27. Review status: criteria provided, single submitter. Criteria: Invitae Variant Classification Sherloc (09022015). Collection method: clinical testing. Allele origin: germline.
Comment: This sequence change replaces proline, which is neutral and non-polar, with serine, which is neutral and polar, at codon 196 of the UNG protein (p.Pro196Ser). This variant is not present in population databases (gnomAD no frequency). This variant has not been reported in the literature in individuals affected with UNG-related conditions. Algorithms developed to predict the effect of missense changes on protein structure and function are either unavailable or do not agree on the potential impact of this missense change (SIFT: "Tolerated"; PolyPhen-2: "Probably Damaging"; Align-GVGD: "Class C0"). In summary, the available evidence is currently insufficient to determine the role of this variant in disease. Therefore, it has been classified as a Variant of Uncertain Significance.

NM_080911.3(UNG):c.586C>T (p.Pro196Ser)

Gene: UNG (uracil DNA glycosylase; plus strand). Cytogenetic location: 12q24.11.
Variant type: single nucleotide variant.
Coding change: c.586C>T on transcript NM_080911.3 (MANE Select); coding-DNA position 586, C replaced by T.
Protein change: p.Pro196Ser; replaces proline 196 with serine.
Molecular consequence: missense variant.
Genome position (GRCh38, 1-based): chr12:109,102,891, C>T. VCF-style: chr12-109102891-C-T. GRCh37 (hg19) VCF-style: chr12-109540696-C-T.
Other names: c.559C>T, p.Pro187Ser (NM_003362.4); short protein forms P187S, P196S.
Identifiers: ClinVar variation 1496922 (VCV001496922.7), dbSNP rs2135886797, ClinGen allele CA386472355.
Genomic context (GRCh38, chr12:109,102,891, plus strand): 5'-GCTTTCAGTTTGGAGAACATTTATAAAGAGTTGTCTACAGACATAGAGGATTTTGTTCAT[C>T]CTGGCCATGGAGATTTATCTGGGTGGGCCAAGCAAGGTAAGCCAGCGACTGCTAGATTTT-3'
Protein context (NP_550433.1, residues 186-206): LSTDIEDFVH[Pro196Ser]GHGDLSGWAK